The following is an entry in ClinVar:

NM_003041.4(SLC5A2):c.*63G>A

Genes: RUSF1 (RUS family member 1; minus strand), SLC5A2 (solute carrier family 5 member 2; plus strand). Cytogenetic location: 16p11.2.
Variant type: single nucleotide variant.
Coding change: c.*63G>A on transcript NM_003041.4 (MANE Select); 63 bases downstream of the stop codon, G replaced by A.
Molecular consequence: 3 prime UTR variant. On other transcripts: non-coding transcript variant (1).
Genome position (GRCh38, 1-based): chr16:31,490,598, G>A. VCF-style: chr16-31490598-G-A. GRCh37 (hg19) VCF-style: chr16-31501919-G-A.
Other names: c.*237C>T (NM_022744.4).
Identifiers: ClinVar variation 319084 (VCV000319084.6), dbSNP rs114517938, ClinGen allele CA10637669.

ClinVar aggregate classification (germline): Benign. Review status: criteria provided, multiple submitters, no conflicts (2 of 4 stars). 2 submissions from 2 submitters: Benign (2). Last evaluated 2018-01-13.

Conditions:
Familial renal glucosuria (GLYS). Also called: Familial renal glycosuria; RENAL GLUCOSURIA, AUTOSOMAL DOMINANT. Identifiers: Orphanet 69076, MedGen C3245525, MONDO:0009297, OMIM 233100.

Allele frequency attached by ClinVar (database versions not stated): TOPMed 0.00657; gnomAD 0.00666; 1000 Genomes Project 0.00799; 1000 Genomes Project 30x 0.00906.
gnomAD v4.1: 1,753 of 1,385,386 alleles (0.13%); highest among the groups gnomAD compares: African/African-American, 2.2%; 21 homozygotes.

Submissions (2):

Illumina Laboratory Services, Illumina
Classification: Benign for Familial renal glucosuria. Last evaluated: 2018-01-13. Review status: criteria provided, single submitter. Criteria: ICSL Variant Classification Criteria 13 December 2019. Collection method: clinical testing. Allele origin: germline.
Comment: This variant was observed in the ICSL laboratory as part of a predisposition screen in an ostensibly healthy population. It had not been previously curated by ICSL or reported in the Human Gene Mutation Database (HGMD: prior to June 1st, 2018), and was therefore a candidate for classification through an automated scoring system. Utilizing variant allele frequency, disease prevalence and penetrance estimates, and inheritance mode, an automated score was calculated to assess if this variant is too frequent to cause the disease. Based on the score and internal cut-off values, a variant classified as benign is not then subjected to further curation. The score for this variant resulted in a classification of benign for this disease.

Breakthrough Genomics
Classification: Benign. Review status: criteria provided, single submitter. Criteria: ACMG Guidelines, 2015. Collection method: not provided. Allele origin: germline. Inheritance: Autosomal dominant inheritance. Affected: yes.